The following is an entry in ClinVar:

ClinVar aggregate classification (germline): Uncertain significance (1 of 4 stars; one submission).

Conditions:
Hereditary cancer-predisposing syndrome. Also called: Hereditary Cancer Syndrome; Hereditary neoplastic syndrome; Neoplastic Syndromes, Hereditary; Tumor predisposition. Identifiers: Orphanet 140162, MedGen C0027672, MeSH D009386, MONDO:0015356.

Submission:

Ambry Genetics
Classification: Uncertain significance for Hereditary cancer-predisposing syndrome. Last evaluated: 2022-08-17. Review status: criteria provided, single submitter. Criteria: Ambry Variant Classification Scheme 2023. Collection method: clinical testing. Allele origin: germline.
Comment: The c.42delC variant, located in coding exon 1 of the CDK4 gene, results from a deletion of one nucleotide at nucleotide position 42, causing a translational frameshift with a predicted alternate stop codon (p.G15Vfs*23). This alteration is expected to result in protein truncation or nonsense-mediated mRNA decay. However, loss of function of CDK4 has not been established as a mechanism of disease. Since supporting evidence is limited at this time, the clinical significance of this alteration remains unclear.

NM_000075.4(CDK4):c.42del (p.Gly15fs)

Gene: CDK4 (cyclin dependent kinase 4; minus strand). Cytogenetic location: 12q14.1.
Variant type: Deletion.
Coding change: c.42del on transcript NM_000075.4 (MANE Select); coding-DNA position 42, one base deleted (C; older notation c.42delC).
Protein change: p.Gly15fs; shifts the reading frame from glycine 15.
Molecular consequence: frameshift variant.
Genome position (GRCh38, 1-based): chr12:57,751,676, G deleted on the plus strand (C on the coding strand, the reverse complement: CDK4 is on the minus strand). VCF-style (leftmost placement, unchanged base first): chr12-57751675-CG-C. GRCh37 (hg19) VCF-style: chr12-58145458-CG-C.
Other names: short protein forms G15fs.
Identifiers: ClinVar variation 1739537 (VCV001739537.2), dbSNP rs2540904227, ClinGen allele CA2580086663.